The following is an entry in ClinVar:

ClinVar aggregate classification (germline): Uncertain significance (1 of 4 stars; one submission).

Conditions:
CC2D2A-related disorder. Also called: CC2D2A-related condition; CC2D2A-related disorders. Identifiers: MedGen CN239313.

Submission:

PreventionGenetics, part of Exact Sciences
Classification: Uncertain significance for CC2D2A-related condition. Last evaluated: 2025-03-26. Review status: criteria provided, single submitter. Criteria: ACMG Guidelines, 2015. Collection method: clinical testing. Allele origin: germline.
Comment: The CC2D2A c.2128G>C variant is predicted to result in the amino acid substitution p.Gly710Arg. To our knowledge, this variant has not been reported in the literature or in a large population database (gnomAD), indicating this variant is rare. At this time, the clinical significance of this variant is uncertain due to the absence of conclusive functional and genetic evidence.

NM_001378615.1(CC2D2A):c.2128G>C (p.Gly710Arg)

Genes: CC2D2A (coiled-coil and C2 domain containing 2A; plus strand), FBXL5 (F-box and leucine rich repeat protein 5; minus strand). Cytogenetic location: 4p15.32.
Variant type: single nucleotide variant.
Coding change: c.2128G>C on transcript NM_001378615.1 (MANE Select); coding-DNA position 2128, G replaced by C.
Protein change: p.Gly710Arg; replaces glycine 710 with arginine.
Molecular consequence: missense variant.
Genome position (GRCh38, 1-based): chr4:15,540,961, G>C. VCF-style: chr4-15540961-G-C. GRCh37 (hg19) VCF-style: chr4-15542584-G-C.
Other names: c.2128G>C, p.Gly710Arg (NM_001080522.2); c.1981G>C, p.Gly661Arg (NM_001378617.1); short protein forms G661R, G710R.
Identifiers: ClinVar variation 4983899 (VCV004983899.1).